The following is an entry in ClinVar:

ClinVar aggregate classification (germline): Uncertain significance (1 of 4 stars; one submission).

Submission:

Labcorp Genetics (formerly Invitae), Labcorp
Classification: Uncertain significance. Last evaluated: 2024-10-26. Review status: criteria provided, single submitter. Criteria: Invitae Variant Classification Sherloc (09022015). Collection method: clinical testing. Allele origin: germline.
Comment: This variant, c.1880_1882del, is a complex sequence change that results in the deletion of 2 and insertion of 1 amino acid(s) in the ATF6 protein (p.His627_Ile628delinsLeu). This variant is not present in population databases (gnomAD no frequency). This variant has been observed in individual(s) with clinical features of achromatopsia (internal data). ClinVar contains an entry for this variant (Variation ID: 952273). Experimental studies and prediction algorithms are not available or were not evaluated, and the functional significance of this variant is currently unknown. In summary, the available evidence is currently insufficient to determine the role of this variant in disease. Therefore, it has been classified as a Variant of Uncertain Significance.

NM_007348.4(ATF6):c.1880_1882del (p.His627_Ile628delinsLeu)

Gene: ATF6 (activating transcription factor 6; plus strand). Cytogenetic location: 1q23.3.
Variant type: Deletion.
Coding change: c.1880_1882del on transcript NM_007348.4 (MANE Select); coding-DNA positions 1880 to 1882, 3 bases deleted (ATA; older notation c.1880_1882delATA).
Protein change: p.His627_Ile628delinsLeu.
Molecular consequence: inframe indel.
Genome position (GRCh38, 1-based): chr1:161,958,521-161,958,523, ATA deleted. VCF-style (leftmost placement, unchanged base first): chr1-161958520-CATA-C. GRCh37 (hg19) VCF-style: chr1-161928310-CATA-C.
Identifiers: ClinVar variation 952273 (VCV000952273.6), dbSNP rs1689014371, ClinGen allele CA1139656399.